The following is an entry in ClinVar:

ClinVar aggregate classification (germline): Uncertain significance (1 of 4 stars; one submission).

Submission:

Labcorp Genetics (formerly Invitae), Labcorp
Classification: Uncertain significance. Last evaluated: 2022-02-28. Review status: criteria provided, single submitter. Criteria: Invitae Variant Classification Sherloc (09022015). Collection method: clinical testing. Allele origin: germline.
Comment: This sequence change replaces valine, which is neutral and non-polar, with isoleucine, which is neutral and non-polar, at codon 293 of the SLC12A6 protein (p.Val293Ile). In summary, the available evidence is currently insufficient to determine the role of this variant in disease. Therefore, it has been classified as a Variant of Uncertain Significance. Algorithms developed to predict the effect of missense changes on protein structure and function output the following: SIFT: "Tolerated"; PolyPhen-2: "Benign"; Align-GVGD: "Class C0". The isoleucine amino acid residue is found in multiple mammalian species, which suggests that this missense change does not adversely affect protein function. This variant has not been reported in the literature in individuals affected with SLC12A6-related conditions. This variant is not present in population databases (gnomAD no frequency).

NM_001365088.1(SLC12A6):c.877G>A (p.Val293Ile)

Gene: SLC12A6 (solute carrier family 12 member 6; minus strand). Cytogenetic location: 15q14.
Variant type: single nucleotide variant.
Coding change: c.877G>A on transcript NM_001365088.1 (MANE Select); coding-DNA position 877, G replaced by A.
Protein change: p.Val293Ile; replaces valine 293 with isoleucine.
Molecular consequence: missense variant.
Genome position (GRCh38, 1-based): chr15:34,254,589, C>T on the plus strand (G>A on the coding strand, the complement: SLC12A6 is on the minus strand). VCF-style: chr15-34254589-C-T. GRCh37 (hg19) VCF-style: chr15-34546790-C-T.
Other names: c.700G>A, p.Val234Ile (NM_001042494.2, NM_001042495.2); c.850G>A, p.Val284Ile (NM_001042496.2); c.832G>A, p.Val278Ile (NM_001042497.2); c.724G>A, p.Val242Ile (NM_005135.2); c.877G>A, p.Val293Ile (NM_133647.2); short protein forms V278I, V242I, V284I, V234I, V293I.
Identifiers: ClinVar variation 1949970 (VCV001949970.5), dbSNP rs1466259736, ClinGen allele CA391609897.